The following is an entry in ClinVar:

ClinVar aggregate classification (germline): Conflicting classifications of pathogenicity. Review status: criteria provided, conflicting classifications (1 of 4 stars). 4 submissions from 4 submitters: Uncertain significance (3); Likely benign (1). Last evaluated 2026-08-31.

Conditions:
Retinitis pigmentosa (RP). Identifiers: Orphanet 791, MedGen C0035334, MeSH D012174, MONDO:0019200, OMIM 268000. Inheritance: Autosomal dominant, autosomal recessive and X linked inheritance.
RP1-related disorder. Also called: RP1-related condition.

Allele frequency attached by ClinVar (database versions not stated): ESP Exome Variant Server 0.00008; gnomAD exomes 0.00008; ExAC 0.00011; gnomAD 0.00025; TOPMed 0.00025; 1000 Genomes Project 0.00060; 1000 Genomes Project 30x 0.00062.
gnomAD v4.1: 77 of 1,613,986 alleles (0.0048%); highest among the groups gnomAD compares: African/African-American, 0.088%; no homozygotes.

Submissions (4):

PreventionGenetics, part of Exact Sciences
Classification: Uncertain significance for RP1-related condition. Last evaluated: 2026-08-31. Review status: criteria provided, single submitter. Criteria: ACMG Guidelines, 2015. Collection method: clinical testing. Allele origin: germline.
Comment: The RP1 c.912G>T variant is predicted to result in the amino acid substitution p.Lys304Asn. To our knowledge, this variant has not been reported in the literature. This variant is reported in 0.092% of alleles in individuals of African descent in gnomAD, which is likely too frequent to be a primary cause of disease. Although we suspect that this variant may be benign, at this time, the clinical significance of this variant is uncertain due to the absence of conclusive functional and genetic evidence.

Labcorp Genetics (formerly Invitae), Labcorp
Classification: Uncertain significance. Last evaluated: 2025-10-22. Review status: criteria provided, single submitter. Criteria: Invitae Variant Classification Sherloc (09022015). Collection method: clinical testing. Allele origin: germline.
Comment: This sequence change replaces lysine, which is basic and polar, with asparagine, which is neutral and polar, at codon 304 of the RP1 protein (p.Lys304Asn). This variant is present in population databases (rs189145468, gnomAD 0.1%). This variant has not been reported in the literature in individuals affected with RP1-related conditions. ClinVar contains an entry for this variant (Variation ID: 363279). An algorithm developed to predict the effect of missense changes on protein structure and function (PolyPhen-2) suggests that this variant is likely to be disruptive. In summary, the available evidence is currently insufficient to determine the role of this variant in disease. Therefore, it has been classified as a Variant of Uncertain Significance.

Blueprint Genetics
Classification: Uncertain significance. Last evaluated: 2024-07-08. Review status: criteria provided, single submitter. Criteria: ACMG Guidelines, 2015. Collection method: clinical testing. Allele origin: germline.

Illumina Laboratory Services, Illumina
Classification: Likely benign for Retinitis pigmentosa. Last evaluated: 2018-01-13. Review status: criteria provided, single submitter. Criteria: ICSL Variant Classification Criteria 13 December 2019. Collection method: clinical testing. Allele origin: germline.
Comment: This variant was observed in the ICSL laboratory as part of a predisposition screen in an ostensibly healthy population. It had not been previously curated by ICSL or reported in the Human Gene Mutation Database (HGMD: prior to June 1st, 2018), and was therefore a candidate for classification through an automated scoring system. Utilizing variant allele frequency, disease prevalence and penetrance estimates, and inheritance mode, an automated score was calculated to assess if this variant is too frequent to cause the disease. Based on the score and internal cut-off values, a variant classified as likely benign is not then subjected to further curation. The score for this variant resulted in a classification of likely benign for this disease.

NM_006269.2(RP1):c.912G>T (p.Lys304Asn)

Gene: RP1 (RP1 axonemal microtubule associated; plus strand). Cytogenetic location: 8q12.1.
Variant type: single nucleotide variant.
Coding change: c.912G>T on transcript NM_006269.2 (MANE Select); coding-DNA position 912, G replaced by T.
Protein change: p.Lys304Asn; replaces lysine 304 with asparagine.
Molecular consequence: missense variant.
Genome position (GRCh38, 1-based): chr8:54,624,794, G>T. VCF-style: chr8-54624794-G-T. GRCh37 (hg19) VCF-style: chr8-55537354-G-T.
Other names: short protein forms K304N.
Identifiers: ClinVar variation 363279 (VCV000363279.14), dbSNP rs189145468, ClinGen allele CA4751293.